The following is an entry in ClinVar:

ClinVar aggregate classification (germline): Uncertain significance (1 of 4 stars; one submission).

Conditions:
Hereditary cancer-predisposing syndrome. Also called: Neoplastic Syndromes, Hereditary; Tumor predisposition; Hereditary Cancer Syndrome; Hereditary neoplastic syndrome. Identifiers: Orphanet 140162, MedGen C0027672, MeSH D009386, MONDO:0015356.

Allele frequency attached by ClinVar (database versions not stated): TOPMed below 0.00001.

Submission:

Ambry Genetics
Classification: Uncertain significance for Hereditary cancer-predisposing syndrome. Last evaluated: 2022-06-23. Review status: criteria provided, single submitter. Criteria: Ambry Variant Classification Scheme 2023. Collection method: clinical testing. Allele origin: germline.
Comment: The p.F25V variant (also known as c.73T>G), located in coding exon 1 of the SMARCB1 gene, results from a T to G substitution at nucleotide position 73. The phenylalanine at codon 25 is replaced by valine, an amino acid with highly similar properties. This amino acid position is well conserved in available vertebrate species. In addition, the in silico prediction for this alteration is inconclusive. Missense and in-frame variants in SMARCB1 are known to cause neurodevelopmental disorders; however, such associations with rhabdoid tumor predisposition syndrome are exceedingly rare (Kosho T et al. Am J Med Genet C Semin Med Genet. 2014 Sep;166C(3):262-75; Eaton KW et al. Pediatr Blood Cancer. 2011 Jan;56(1):7-15). Based on the supporting evidence, the association of this alteration with Coffin-Siris syndrome is unknown; however, the association of this alteration with rhabdoid tumor predisposition syndrome is unlikely.

NM_003073.5(SMARCB1):c.73T>G (p.Phe25Val)

Gene: SMARCB1 (SWI/SNF related BAF chromatin remodeling complex subunit B1; plus strand). Cytogenetic location: 22q11.23.
Variant type: single nucleotide variant.
Coding change: c.73T>G on transcript NM_003073.5 (MANE Select); coding-DNA position 73, T replaced by G.
Protein change: p.Phe25Val; replaces phenylalanine 25 with valine.
Molecular consequence: missense variant.
Genome position (GRCh38, 1-based): chr22:23,787,242, T>G. VCF-style: chr22-23787242-T-G. GRCh37 (hg19) VCF-style: chr22-24129429-T-G.
Other names: c.73T>G, p.Phe25Val (NM_001007468.3, NM_001317946.2, NM_001362877.2); short protein forms F25V.
Identifiers: ClinVar variation 1758743 (VCV001758743.2), dbSNP rs1928046958, ClinGen allele CA410930894.